The following is an entry in ClinVar:

NM_001034853.2(RPGR):c.2840_2841insAGGGGAGGATGGAGAAGGGGAGGGGGAAGAGGAGGAAGGAGAATGGGA (p.Glu949_Glu950insAspGlyGluGlyGluGlyGluGluGluGluGlyGluTrpGluGlyGlu)

Gene: RPGR (retinitis pigmentosa GTPase regulator; minus strand). Cytogenetic location: Xp11.4.
Variant type: Insertion.
Coding change: c.2840_2841insAGGGGAGGATGGAGAAGGGGAGGGGGAAGAGGAGGAAGGAGAATGGGA on transcript NM_001034853.2 (MANE Select); coding-DNA positions 2840 to 2841, AGGGGAGGATGGAGAAGGGGAGGGGGAAGAGGAGGAAGGAGAATGGGA inserted.
Protein change: p.Glu949_Glu950insAspGlyGluGlyGluGlyGluGluGluGluGlyGluTrpGluGlyGlu.
Molecular consequence: inframe insertion. On other transcripts: intron variant (8).
Genome position: GRCh38: chrX:38,286,162-38,286,163. GRCh37 (hg19): chrX:38,145,415-38,145,416.
Other names: c.1569+4800_1569+4801insGGGAAGGGGAGGATGGAGAAGGGGAGGGGGAAGAGGAGGAAGGAGAAT (NM_001367249.1, NM_001367250.1); c.1902+935_1902+936insGGGAAGGGGAGGATGGAGAAGGGGAGGGGGAAGAGGAGGAAGGAGAAT (NM_001367245.1); c.1386+4800_1386+4801insGGGAAGGGGAGGATGGAGAAGGGGAGGGGGAAGAGGAGGAAGGAGAAT (NM_001367251.1); c.1719+935_1719+936insGGGAAGGGGAGGATGGAGAAGGGGAGGGGGAAGAGGAGGAAGGAGAAT (NM_001367246.1); c.1572+4800_1572+4801insGGGAAGGGGAGGATGGAGAAGGGGAGGGGGAAGAGGAGGAAGGAGAAT (NM_001367247.1); c.1905+935_1905+936insGGGAAGGGGAGGATGGAGAAGGGGAGGGGGAAGAGGAGGAAGGAGAAT (NM_000328.3); c.1602+4800_1602+4801insGGGAAGGGGAGGATGGAGAAGGGGAGGGGGAAGAGGAGGAAGGAGAAT (NM_001367248.1).
Identifiers: ClinVar variation 2069409 (VCV002069409.4), dbSNP rs2519786258, ClinGen allele CA2580100843.

ClinVar aggregate classification (germline): Uncertain significance (1 of 4 stars; one submission).

Conditions:
Primary ciliary dyskinesia. Also called: Ciliary dyskinesia. Identifiers: Orphanet 244, MedGen C0008780, MONDO:0016575, HP:0012265.

Submission:

Labcorp Genetics (formerly Invitae), Labcorp
Classification: Uncertain significance for Primary ciliary dyskinesia. Last evaluated: 2025-04-23. Review status: criteria provided, single submitter. Criteria: Invitae Variant Classification Sherloc (09022015). Collection method: clinical testing. Allele origin: germline.
Comment: This variant, c.2840_2841ins48, results in the insertion of 16 amino acid(s) of the RPGR (ORF15) protein (p.Glu949_Glu950ins16), but otherwise preserves the integrity of the reading frame. The frequency data for this variant in the population databases is considered unreliable, as metrics indicate insufficient coverage at this position in the gnomAD database. This variant has not been reported in the literature in individuals affected with RPGR (ORF15)-related conditions. ClinVar contains an entry for this variant (Variation ID: 2069409). Experimental studies and prediction algorithms are not available or were not evaluated, and the functional significance of this variant is currently unknown. In summary, the available evidence is currently insufficient to determine the role of this variant in disease. Therefore, it has been classified as a Variant of Uncertain Significance.